The following is an entry in ClinVar:

ClinVar aggregate classification (germline): Uncertain significance (1 of 4 stars; one submission).

Conditions:
Autosomal recessive limb-girdle muscular dystrophy type 2J (LGMDR10). Also called: Limb-girdle muscular dystrophy, type 2J; MUSCULAR DYSTROPHY, LIMB-GIRDLE, AUTOSOMAL RECESSIVE 10. Identifiers: Orphanet 140922, MedGen C1837342, MONDO:0012127, OMIM 608807.
Dilated cardiomyopathy 1G (CMD1G). Identifiers: Orphanet 154, MedGen C1858763, MONDO:0011400, OMIM 604145.

Allele frequency attached by ClinVar (database versions not stated): gnomAD exomes below 0.00001.
gnomAD v4.1: 6 of 1,613,792 alleles (0.00037%); highest among the groups gnomAD compares: Non-Finnish European, 0.00051%; no homozygotes.

Submission:

Labcorp Genetics (formerly Invitae), Labcorp
Classification: Uncertain significance for Dilated cardiomyopathy 1G; Autosomal recessive limb-girdle muscular dystrophy type 2J. Last evaluated: 2020-06-08. Review status: criteria provided, single submitter. Criteria: Invitae Variant Classification Sherloc (09022015). Collection method: clinical testing. Allele origin: germline.
Comment: This variant is not present in population databases (ExAC no frequency). This sequence change replaces glycine with alanine at codon 31736 of the TTN protein (p.Gly31736Ala). There is a small physicochemical difference between glycine and alanine. This variant has not been reported in the literature in individuals with TTN-related disease. This variant is located in the A band of TTN (PMID: 25589632). Variants in this region may be relevant for cardiac or neuromuscular disorders (PMID: 25589632, 23975875). Algorithms developed to predict the effect of missense changes on protein structure and function are unavailable for the TTN gene. In summary, the available evidence is currently insufficient to determine the role of this variant in disease. Therefore, it has been classified as a Variant of Uncertain Significance.

Literature cited by the submitters: PubMed 25589632; PubMed 23975875.

NM_001267550.2(TTN):c.95207G>C (p.Gly31736Ala)

Genes: TTN-AS1 (TTN antisense RNA 1; plus strand), TTN (titin; minus strand). Cytogenetic location: 2q31.2.
Variant type: single nucleotide variant.
Coding change: c.95207G>C on transcript NM_001267550.2 (MANE Select); coding-DNA position 95207, G replaced by C.
Protein change: p.Gly31736Ala; replaces glycine 31736 with alanine.
Molecular consequence: missense variant.
Genome position (GRCh38, 1-based): chr2:178,546,029, C>G on the plus strand (G>C on the coding strand, the complement: TTN is on the minus strand). VCF-style: chr2-178546029-C-G. GRCh37 (hg19) VCF-style: chr2-179410756-C-G.
Other names: c.90284G>C, p.Gly30095Ala (NM_001256850.1); c.68012G>C, p.Gly22671Ala (NM_003319.4); c.87503G>C, p.Gly29168Ala (NM_133378.4); c.68387G>C, p.Gly22796Ala (NM_133432.3); c.68588G>C, p.Gly22863Ala (NM_133437.4); short protein forms G22671A, G30095A, G31736A, G29168A, G22796A, G22863A.
Identifiers: ClinVar variation 653006 (VCV000653006.7), dbSNP rs1401862112, ClinGen allele CA349464037.